The following is an entry in ClinVar:

NM_001848.3(COL6A1):c.2603C>T (p.Ala868Val)

Gene: COL6A1 (collagen type VI alpha 1 chain; plus strand). Cytogenetic location: 21q22.3.
Variant type: single nucleotide variant.
Coding change: c.2603C>T on transcript NM_001848.3 (MANE Select); coding-DNA position 2603, C replaced by T.
Protein change: p.Ala868Val; replaces alanine 868 with valine.
Molecular consequence: missense variant.
Genome position (GRCh38, 1-based): chr21:46,003,529, C>T. VCF-style: chr21-46003529-C-T. GRCh37 (hg19) VCF-style: chr21-47423443-C-T.
Other names: short protein forms A868V.
Identifiers: ClinVar variation 581421 (VCV000581421.7), dbSNP rs565089447, ClinGen allele CA10070976.

ClinVar aggregate classification (germline): Uncertain significance (1 of 4 stars; one submission).

Conditions:
Bethlem myopathy 1A. Also called: Bethlem myopathy 1; MYOPATHY, BENIGN CONGENITAL, WITH CONTRACTURES; Bethlem Muscular Dystrophy. Identifiers: Orphanet 610, MedGen CN029274, MONDO:0024530, OMIM 158810.

Allele frequency attached by ClinVar (database versions not stated): ExAC 0.00001; gnomAD exomes 0.00001; TOPMed 0.00001; gnomAD 0.00003.

Submission:

Labcorp Genetics (formerly Invitae), Labcorp
Classification: Uncertain significance for Bethlem myopathy 1A. Last evaluated: 2021-09-02. Review status: criteria provided, single submitter. Criteria: Invitae Variant Classification Sherloc (09022015). Collection method: clinical testing. Allele origin: germline.
Comment: In summary, the available evidence is currently insufficient to determine the role of this variant in disease. Therefore, it has been classified as a Variant of Uncertain Significance. Algorithms developed to predict the effect of missense changes on protein structure and function are either unavailable or do not agree on the potential impact of this missense change (SIFT: "Tolerated"; PolyPhen-2: "Possibly Damaging"; Align-GVGD: "Class C0"). This variant has not been reported in the literature in individuals affected with COL6A1-related conditions. This variant is present in population databases (rs565089447, ExAC 0.002%). This sequence change replaces alanine with valine at codon 868 of the COL6A1 protein (p.Ala868Val). The alanine residue is weakly conserved and there is a small physicochemical difference between alanine and valine.